The following is an entry in ClinVar:

NM_001365902.3(NFIX):c.1412C>T (p.Thr471Met)

Gene: NFIX (nuclear factor I X; plus strand). Cytogenetic location: 19p13.13.
Variant type: single nucleotide variant.
Coding change: c.1412C>T on transcript NM_001365902.3 (MANE Select); coding-DNA position 1412, C replaced by T.
Protein change: p.Thr471Met; replaces threonine 471 with methionine.
Molecular consequence: missense variant. On other transcripts: nonsense (5).
Genome position (GRCh38, 1-based): chr19:13,090,308, C>T. VCF-style: chr19-13090308-C-T. GRCh37 (hg19) VCF-style: chr19-13201122-C-T.
Other names: c.1436C>T, p.Thr479Met (NM_001271043.2); c.1240C>T, p.Arg414Ter (NM_001271044.3); c.1141C>T, p.Arg381Ter (NM_001365982.2); c.1123C>T, p.Arg375Ter (NM_001365983.2); c.1409C>T, p.Thr470Met (NM_001365984.2); c.1261C>T, p.Arg421Ter (NM_001365985.2); c.1388C>T, p.Thr463Met (NM_001378404.1); c.1460C>T, p.Thr487Met (NM_001378405.1); and 1 more; short protein forms R375*, R381*, R414*, R421*, R422*, T463M, T470M, T471M.
Identifiers: ClinVar variation 3253138 (VCV003253138.1), dbSNP rs2145515567.

ClinVar aggregate classification (germline): Uncertain significance (1 of 4 stars; one submission).

Allele frequency attached by ClinVar (database versions not stated): gnomAD 0.00001; 1000 Genomes Project 30x 0.00016.
gnomAD v4.1: 1 of 1,613,950 alleles (0.000062%); highest among the groups gnomAD compares: African/African-American, 0.0013%; no homozygotes.

Submission:

GeneDx
Classification: Uncertain significance. Last evaluated: 2023-12-07. Review status: criteria provided, single submitter. Criteria: GeneDx Variant Classification Process June 2021. Collection method: clinical testing. Allele origin: germline. Affected: yes.
Comment: Not observed at significant frequency in large population cohorts (gnomAD); In silico analysis supports that this missense variant does not alter protein structure/function; Has not been previously published as pathogenic or benign to our knowledge; This variant is associated with the following publications: (PMID: 22982744)